The following is an entry in ClinVar:

ClinVar aggregate classification (germline): Uncertain significance (1 of 4 stars; one submission).

Conditions:
Cardiovascular phenotype. Identifiers: MedGen CN230736.

Submission:

Ambry Genetics
Classification: Uncertain significance for Cardiovascular phenotype. Last evaluated: 2024-01-08. Review status: criteria provided, single submitter. Criteria: Ambry Variant Classification Scheme 2023. Collection method: clinical testing. Allele origin: germline.
Comment: The p.K99N variant (also known as c.297A>C), located in coding exon 4 of the CACNB2 gene, results from an A to C substitution at nucleotide position 297. The lysine at codon 99 is replaced by asparagine, an amino acid with similar properties. This amino acid position is conserved. In addition, the in silico prediction for this alteration is inconclusive. Since supporting evidence is limited at this time, the clinical significance of this alteration remains unclear.

NM_201596.3(CACNB2):c.459A>C (p.Lys153Asn)

Gene: CACNB2 (calcium voltage-gated channel auxiliary subunit beta 2; plus strand). Cytogenetic location: 10p12.31.
Variant type: single nucleotide variant.
Coding change: c.459A>C on transcript NM_201596.3 (MANE Select); coding-DNA position 459, A replaced by C.
Protein change: p.Lys153Asn; replaces lysine 153 with asparagine.
Molecular consequence: missense variant.
Genome position (GRCh38, 1-based): chr10:18,500,814, A>C. VCF-style: chr10-18500814-A-C. GRCh37 (hg19) VCF-style: chr10-18789743-A-C.
Other names: c.315A>C, p.Lys105Asn (NM_001410882.1, NM_201570.3); c.375A>C, p.Lys125Asn (NM_201571.4, NM_201572.4, NM_001167945.2); c.297A>C, p.Lys99Asn (NM_201590.3); c.459A>C, p.Lys153Asn (NM_201593.3, NM_201597.3); c.294A>C, p.Lys98Asn (NM_000724.4, NM_001330060.2); short protein forms K125N, K153N, K98N, K99N, K105N.
Identifiers: ClinVar variation 3230199 (VCV003230199.1), dbSNP rs2494362634, ClinGen allele CA376057430.